The following is an entry in ClinVar:

NM_014845.6(FIG4):c.2376+4C>G

Gene: FIG4 (FIG4 phosphoinositide 5-phosphatase; plus strand). Cytogenetic location: 6q21.
Variant type: single nucleotide variant.
Coding change: c.2376+4C>G on transcript NM_014845.6 (MANE Select); 4 bases into the intron after coding-DNA position 2376, C replaced by G.
Molecular consequence: intron variant.
Genome position (GRCh38, 1-based): chr6:109,791,575, C>G. VCF-style: chr6-109791575-C-G. GRCh37 (hg19) VCF-style: chr6-110112778-C-G.
Identifiers: ClinVar variation 2021134 (VCV002021134.4), dbSNP rs754210462, ClinGen allele CA570036229.
Genomic context (GRCh38, chr6:109,791,575, plus strand): 5'-CAGCGCTCCACTCCCGTGAAGATGACTGATGCAGGAGACAGTGCCAAAGTGACCGAGGTG[C>G]GGGGGAGGGAAGCCTGTGGCATCCAGCCTGAAGCCCTGGAAAATGATCTTTACAACTCCG-3'

ClinVar aggregate classification (germline): Uncertain significance (1 of 4 stars; one submission).

Conditions:
Charcot-Marie-Tooth disease type 4. Also called: Charcot-Marie-Tooth disease, type IV; Charcot-Marie-Tooth, Type 4. Identifiers: Orphanet 64749, MedGen C4082197, MONDO:0018995.

Submission:

Labcorp Genetics (formerly Invitae), Labcorp
Classification: Uncertain significance for Charcot-Marie-Tooth disease type 4. Last evaluated: 2024-06-10. Review status: criteria provided, single submitter. Criteria: Invitae Variant Classification Sherloc (09022015). Collection method: clinical testing. Allele origin: germline.
Comment: This sequence change falls in intron 20 of the FIG4 gene. It does not directly change the encoded amino acid sequence of the FIG4 protein. It affects a nucleotide within the consensus splice site. The frequency data for this variant in the population databases is considered unreliable, as metrics indicate poor data quality at this position in the gnomAD database. This variant has not been reported in the literature in individuals affected with FIG4-related conditions. ClinVar contains an entry for this variant (Variation ID: 2021134). Variants that disrupt the consensus splice site are a relatively common cause of aberrant splicing (PMID: 17576681, 9536098). Algorithms developed to predict the effect of sequence changes on RNA splicing suggest that this variant may disrupt the consensus splice site. In summary, the available evidence is currently insufficient to determine the role of this variant in disease. Therefore, it has been classified as a Variant of Uncertain Significance.

Literature cited by the submitters: PubMed 17576681; PubMed 9536098.